The following is an entry in ClinVar:

ClinVar aggregate classification (germline): Likely benign (0 of 4 stars; one submission).

Conditions:
SIM1-related disorder. Also called: SIM1-related condition; SIM1-related disorders.

Submission:

PreventionGenetics, part of Exact Sciences
Classification: Likely benign for SIM1-related condition. Last evaluated: 2021-08-01. Review status: no assertion criteria provided. Collection method: clinical testing. Allele origin: germline.
Comment: This variant is classified as likely benign based on ACMG/AMP sequence variant interpretation guidelines (Richards et al. 2015 PMID: 25741868, with internal and published modifications).

NM_005068.3(SIM1):c.1365G>A (p.Arg455=)

Genes: SIM1 (SIM bHLH transcription factor 1; minus strand), SIM1-AS1 (SIM1 antisense RNA 1; plus strand). Cytogenetic location: 6q16.3.
Variant type: single nucleotide variant.
Coding change: c.1365G>A on transcript NM_005068.3 (MANE Select); coding-DNA position 1365, G replaced by A.
Protein change: p.Arg455=; no amino-acid change (arginine 455 retained).
Molecular consequence: synonymous variant. On other transcripts: non-coding transcript variant (1).
Genome position (GRCh38, 1-based): chr6:100,393,692, C>T on the plus strand (G>A on the coding strand, the complement: SIM1 is on the minus strand). VCF-style: chr6-100393692-C-T. GRCh37 (hg19) VCF-style: chr6-100841568-C-T.
Other names: c.1365G>A, p.Arg455= (NM_001374769.1).
Identifiers: ClinVar variation 3358400 (VCV003358400.1).